The following is an entry in ClinVar:

ClinVar aggregate classification (germline): Likely benign (0 of 4 stars; one submission).

Conditions:
CENPF-related disorder. Also called: CENPF-related condition.

Allele frequency attached by ClinVar (database versions not stated): gnomAD exomes 0.00001; ExAC 0.00002; gnomAD 0.00002.
gnomAD v4.1: 12 of 1,614,014 alleles (0.00074%); highest among the groups gnomAD compares: Admixed American, 0.012%; no homozygotes.

Submission:

PreventionGenetics, part of Exact Sciences
Classification: Likely benign for CENPF-related condition. Last evaluated: 2021-12-21. Review status: no assertion criteria provided. Collection method: clinical testing. Allele origin: germline.
Comment: This variant is classified as likely benign based on ACMG/AMP sequence variant interpretation guidelines (Richards et al. 2015 PMID: 25741868, with internal and published modifications).

NM_016343.4(CENPF):c.6915G>A (p.Lys2305=)

Gene: CENPF (centromere protein F; plus strand). Cytogenetic location: 1q41.
Variant type: single nucleotide variant.
Coding change: c.6915G>A on transcript NM_016343.4 (MANE Select); coding-DNA position 6915, G replaced by A.
Protein change: p.Lys2305=; no amino-acid change (lysine 2305 retained).
Molecular consequence: synonymous variant.
Genome position (GRCh38, 1-based): chr1:214,646,485, G>A. VCF-style: chr1-214646485-G-A. GRCh37 (hg19) VCF-style: chr1-214819828-G-A.
Identifiers: ClinVar variation 3029395 (VCV003029395.2), dbSNP rs767622707, ClinGen allele CA1391036.